The following is an entry in ClinVar:

ClinVar aggregate classification (germline): Uncertain significance (1 of 4 stars; one submission).

Submission:

GeneDx
Classification: Uncertain significance. Last evaluated: 2024-12-12. Review status: criteria provided, single submitter. Criteria: GeneDx Variant Classification Process June 2021. Collection method: clinical testing. Allele origin: germline. Affected: yes.
Comment: Not observed at significant frequency in large population cohorts (gnomAD); In silico analysis indicates that this variant does not alter splicing; Has not been previously published as pathogenic or benign to our knowledge

NM_021072.4(HCN1):c.2034G>T (p.Leu678=)

Gene: HCN1 (hyperpolarization activated cyclic nucleotide gated potassium channel 1; minus strand). Cytogenetic location: 5p12.
Variant type: single nucleotide variant.
Coding change: c.2034G>T on transcript NM_021072.4 (MANE Select); coding-DNA position 2034, G replaced by T.
Protein change: p.Leu678=; no amino-acid change (leucine 678 retained).
Molecular consequence: synonymous variant.
Genome position (GRCh38, 1-based): chr5:45,262,560, C>A on the plus strand (G>T on the coding strand, the complement: HCN1 is on the minus strand). VCF-style: chr5-45262560-C-A. GRCh37 (hg19) VCF-style: chr5-45262662-C-A.
Identifiers: ClinVar variation 3902919 (VCV003902919.1).